The following is an entry in ClinVar:

NM_002495.4(NDUFS4):c.350+228C>T

Gene: NDUFS4 (NADH:ubiquinone oxidoreductase subunit S4; plus strand). Cytogenetic location: 5q11.2.
Variant type: single nucleotide variant.
Coding change: c.350+228C>T on transcript NM_002495.4 (MANE Select); 228 bases into the intron after coding-DNA position 350, C replaced by T.
Molecular consequence: intron variant.
Genome position (GRCh38, 1-based): chr5:53,646,633, C>T. VCF-style: chr5-53646633-C-T. GRCh37 (hg19) VCF-style: chr5-52942463-C-T.
Other names: c.350+228C>T (NM_001318051.2).
Identifiers: ClinVar variation 683106 (VCV000683106.1), dbSNP rs31302, ClinGen allele CA15375864.

ClinVar aggregate classification (germline): Benign (1 of 4 stars; one submission).

Allele frequency attached by ClinVar (database versions not stated): gnomAD 0.69023 and 0.69264; TOPMed 0.70074; 1000 Genomes Project 0.74181; 1000 Genomes Project 30x 0.74219.
gnomAD v4.1: 104,978 of 151,894 alleles (69%); highest among the groups gnomAD compares: African/African-American, 79%; 36,776 homozygotes.

Submission:

GeneDx
Classification: Benign. Last evaluated: 2018-06-14. Review status: criteria provided, single submitter. Criteria: GeneDx Variant Classification (06012015). Collection method: clinical testing. Allele origin: germline. Affected: yes.
Comment: This variant is considered likely benign or benign based on one or more of the following criteria: it is a conservative change, it occurs at a poorly conserved position in the protein, it is predicted to be benign by multiple in silico algorithms, and/or has population frequency not consistent with disease.